The following is an entry in ClinVar:

ClinVar aggregate classification (germline): Uncertain significance (1 of 4 stars; one submission).

Conditions:
Autosomal recessive polycystic kidney disease (ARPKD). Also called: AR polycystic kidney disease. Identifiers: Orphanet 731, Orphanet 8378, MedGen C0085548, MeSH D017044, MONDO:0009889.

Allele frequency attached by ClinVar (database versions not stated): gnomAD exomes below 0.00001; ExAC 0.00001; ESP Exome Variant Server 0.00008.
gnomAD v4.1: 1 of 1,614,142 alleles (0.000062%); highest among the groups gnomAD compares: Non-Finnish European, 0.000085%; no homozygotes.

Submission:

Labcorp Genetics (formerly Invitae), Labcorp
Classification: Uncertain significance for Autosomal recessive polycystic kidney disease. Last evaluated: 2024-05-21. Review status: criteria provided, single submitter. Criteria: Invitae Variant Classification Sherloc (09022015). Collection method: clinical testing. Allele origin: germline.
Comment: This sequence change replaces alanine, which is neutral and non-polar, with threonine, which is neutral and polar, at codon 337 of the PKHD1 protein (p.Ala337Thr). This variant is present in population databases (rs375462398, gnomAD 0.0009%). This variant has not been reported in the literature in individuals affected with PKHD1-related conditions. ClinVar contains an entry for this variant (Variation ID: 1991011). Advanced modeling of protein sequence and biophysical properties (such as structural, functional, and spatial information, amino acid conservation, physicochemical variation, residue mobility, and thermodynamic stability) has been performed at Invitae for this missense variant, however the output from this modeling did not meet the statistical confidence thresholds required to predict the impact of this variant on PKHD1 protein function. In summary, the available evidence is currently insufficient to determine the role of this variant in disease. Therefore, it has been classified as a Variant of Uncertain Significance.

NM_138694.4(PKHD1):c.1009G>A (p.Ala337Thr)

Gene: PKHD1 (PKHD1 ciliary IPT domain containing fibrocystin/polyductin; minus strand). Cytogenetic location: 6p12.2.
Variant type: single nucleotide variant.
Coding change: c.1009G>A on transcript NM_138694.4 (MANE Select); coding-DNA position 1009, G replaced by A.
Protein change: p.Ala337Thr; replaces alanine 337 with threonine.
Molecular consequence: missense variant.
Genome position (GRCh38, 1-based): chr6:52,062,628, C>T on the plus strand (G>A on the coding strand, the complement: PKHD1 is on the minus strand). VCF-style: chr6-52062628-C-T. GRCh37 (hg19) VCF-style: chr6-51927426-C-T.
Other names: c.1009G>A, p.Ala337Thr (NM_170724.3); short protein forms A337T.
Identifiers: ClinVar variation 1991011 (VCV001991011.4), dbSNP rs375462398, ClinGen allele CA3853665.